The following is an entry in ClinVar:

NM_001139.3(ALOX12B):c.1859C>T (p.Pro620Leu)

Gene: ALOX12B (arachidonate 12-lipoxygenase, 12R type; minus strand). Cytogenetic location: 17p13.1.
Variant type: single nucleotide variant.
Coding change: c.1859C>T on transcript NM_001139.3 (MANE Select); coding-DNA position 1859, C replaced by T.
Protein change: p.Pro620Leu; replaces proline 620 with leucine.
Molecular consequence: missense variant.
Genome position (GRCh38, 1-based): chr17:8,073,215, G>A on the plus strand (C>T on the coding strand, the complement: ALOX12B is on the minus strand). VCF-style: chr17-8073215-G-A. GRCh37 (hg19) VCF-style: chr17-7976533-G-A.
Other names: c.1859C>T, p.Pro620Leu (LRG_1264t1); short protein forms P620L.
Identifiers: ClinVar variation 432898 (VCV000432898.2), dbSNP rs780420901, ClinGen allele CA397986241.
Genomic context (GRCh38, chr17:8,073,215, plus strand): 5'-TCAGGCTCTCGGCTGAGGGTCCAGAGCACCAGCAGCGTGATGCACGTGGTCTTCACATCC[G>A]GCAACGTGTCCATGAAGGTCTCCAGAGTGGTCAGCCCCTTAGTCTGAATCGGTGGATTCC-3'
Protein context (NP_001130.1, residues 610-630): TTLETFMDTL[Pro620Leu]DVKTTCITLL

ClinVar aggregate classification (germline): Uncertain significance (1 of 4 stars; one submission).

Allele frequency attached by ClinVar (database versions not stated): gnomAD 0.00001 and 0.00003; TOPMed 0.00001.
gnomAD v4.1: 5 of 1,614,042 alleles (0.00031%); highest among the groups gnomAD compares: African/African-American, 0.0013%; no homozygotes.

Submission:

GeneDx
Classification: Uncertain significance. Last evaluated: 2017-06-26. Review status: criteria provided, single submitter. Criteria: GeneDx Variant Classification (06012015). Collection method: clinical testing. Allele origin: germline. Affected: yes.
Comment: The P620L variant in the ALOX12B gene has not been reported previously as a pathogenic variant, nor as a benign variant, to our knowledge. The P620L variant is not observed in large population cohorts (Lek et al., 2016; 1000 Genomes Consortium et al., 2015; Exome Variant Server). The P620L variant is a semi-conservative amino acid substitution, which may impact secondary protein structure as these residues differ in some properties. This substitution occurs at a position that is conserved across species, and in silico analysis predicts this variant is probably damaging to the protein structure/function. We interpret P620L as a variant of uncertain significance.